The following is an entry in ClinVar:

NM_032656.4(DHX37):c.1288A>T (p.Ile430Phe)

Gene: DHX37 (DEAH-box helicase 37; minus strand). Cytogenetic location: 12q24.31.
Variant type: single nucleotide variant.
Coding change: c.1288A>T on transcript NM_032656.4 (MANE Select); coding-DNA position 1288, A replaced by T.
Protein change: p.Ile430Phe; replaces isoleucine 430 with phenylalanine.
Molecular consequence: missense variant.
Genome position (GRCh38, 1-based): chr12:124,968,872, T>A on the plus strand (A>T on the coding strand, the complement: DHX37 is on the minus strand). VCF-style: chr12-124968872-T-A. GRCh37 (hg19) VCF-style: chr12-125453418-T-A.
Other names: c.1288A>T (NM_032656.3); short protein forms I430F.
Identifiers: ClinVar variation 1679790 (VCV001679790.3), dbSNP rs772541446, ClinGen allele CA6872119.

ClinVar aggregate classification (germline): Uncertain significance. Review status: criteria provided, multiple submitters, no conflicts (2 of 4 stars). 3 submissions from 3 submitters: Uncertain significance (3). Last evaluated 2025-09-15.

Conditions:
Neurodevelopmental disorder with brain anomalies and with or without vertebral or cardiac anomalies. Identifiers: MedGen C5231481, MONDO:0032888, OMIM 618731.

gnomAD v4.1: 4 of 1,613,992 alleles (0.00025%); highest among the groups gnomAD compares: Admixed American, 0.005%; no homozygotes.

Submissions (3):

Labcorp Genetics (formerly Invitae), Labcorp
Classification: Uncertain significance. Last evaluated: 2025-09-15. Review status: criteria provided, single submitter. Criteria: Invitae Variant Classification Sherloc (09022015). Collection method: clinical testing. Allele origin: germline.
Comment: This sequence change replaces isoleucine, which is neutral and non-polar, with phenylalanine, which is neutral and non-polar, at codon 430 of the DHX37 protein (p.Ile430Phe). This variant is present in population databases (rs772541446, gnomAD 0.006%). This variant has not been reported in the literature in individuals affected with DHX37-related conditions. ClinVar contains an entry for this variant (Variation ID: 1679790). Invitae Evidence Modeling of protein sequence and biophysical properties (such as structural, functional, and spatial information, amino acid conservation, physicochemical variation, residue mobility, and thermodynamic stability) indicates that this missense variant is not expected to disrupt DHX37 protein function with a negative predictive value of 80%. In summary, the available evidence is currently insufficient to determine the role of this variant in disease. Therefore, it has been classified as a Variant of Uncertain Significance.

GeneDx
Classification: Uncertain significance. Last evaluated: 2023-08-15. Review status: criteria provided, single submitter. Criteria: GeneDx Variant Classification Process June 2021. Collection method: clinical testing. Allele origin: germline. Affected: yes.
Comment: In silico analysis supports that this missense variant has a deleterious effect on protein structure/function; Has not been previously published as pathogenic or benign to our knowledge

New York Genome Center
Classification: Uncertain significance for Neurodevelopmental disorder with brain anomalies and with or without vertebral or cardiac anomalies. Last evaluated: 2021-04-16. Review status: criteria provided, single submitter. Criteria: NYGC Assertion Criteria 2020. Collection method: clinical testing. Allele origin: inherited. Observed: 1 variant allele. Study: CSER-NYCKidSeq.